The following is an entry in ClinVar:

ClinVar aggregate classification (germline): Pathogenic (1 of 4 stars; one submission).

Submission:

ISCA site 4
Classification: Pathogenic. Last evaluated: 2011-08-12. Review status: criteria provided, single submitter. Criteria: Kaminsky et al. (Genet Med. 2011). Collection method: clinical testing. Allele origin: unknown. Affected: yes. Observed: 2 variant alleles.
Comment: Copy number variation identified through the course of routine clinical cytogenomic testing in postnatal populations. Clinical assertions have been curated as described in Kaminsky et al. 2011.

GRCh38/hg38 15q11.2-13.1(chr15:23411789-28275167)x3

Genes: ATP10A (ATPase phospholipid transporting 10A (putative); minus strand), ATP10A-DT (ATP10A divergent transcript; plus strand), GABRA5 (gamma-aminobutyric acid type A receptor subunit alpha5; plus strand), GABRB3 (gamma-aminobutyric acid type A receptor subunit beta3; minus strand), GABRG3 (gamma-aminobutyric acid type A receptor subunit gamma3; plus strand) and 138 more. Cytogenetic location: 15q11.2-13.1.
Variant type: copy number gain.
Change: copy number 3 (three copies instead of two) of chr15:23,411,789-28,275,167 (4.86 Mb, GRCh38 coordinates, 1-based), cytogenetic band 15q11.2-13.1.
Identifiers: ClinVar variation 160797 (VCV000160797.1).